The following is an entry in ClinVar:

NM_032816.5(CEP89):c.1643AGA[2] (p.Lys550del)

Gene: CEP89 (centrosomal protein 89; minus strand). Cytogenetic location: 19q13.11.
Variant type: Microsatellite.
Coding change: c.1643AGA[2] on transcript NM_032816.5 (MANE Select); two copies in a row of the 3-base unit AGA starting at c.1643; the reference has three copies in a row; one copy, 3 bases deleted.
Protein change: p.Lys550del; deletes lysine 550.
Molecular consequence: inframe deletion.
Genome position (GRCh38, 1-based): chr19:32,901,327-32,901,329, TCT deleted on the plus strand (AGA on the coding strand, the reverse complement: CEP89 is on the minus strand); deleting any 3 consecutive bases within chr19:32,901,327-32,901,335 gives the same sequence; the position shown is the placement nearest the transcript's 3' end. VCF-style (leftmost placement, unchanged base first): chr19-32901326-CTCT-C. GRCh37 (hg19) VCF-style: chr19-33392232-CTCT-C.
Other names: short protein forms K550del.
Identifiers: ClinVar variation 3618255 (VCV003618255.2).

ClinVar aggregate classification (germline): Uncertain significance (1 of 4 stars; one submission).

Submission:

Labcorp Genetics (formerly Invitae), Labcorp
Classification: Uncertain significance. Last evaluated: 2024-07-23. Review status: criteria provided, single submitter. Criteria: Invitae Variant Classification Sherloc (09022015). Collection method: clinical testing. Allele origin: germline.
Comment: This variant, c.1649_1651del, results in the deletion of 1 amino acid(s) of the CEP89 protein (p.Lys550del), but otherwise preserves the integrity of the reading frame. The frequency data for this variant in the population databases is considered unreliable, as metrics indicate poor data quality at this position in the gnomAD database. This variant has not been reported in the literature in individuals affected with CEP89-related conditions. Experimental studies and prediction algorithms are not available or were not evaluated, and the functional significance of this variant is currently unknown. In summary, the available evidence is currently insufficient to determine the role of this variant in disease. Therefore, it has been classified as a Variant of Uncertain Significance.